The following is an entry in ClinVar:

ClinVar aggregate classification (germline): Uncertain significance (1 of 4 stars; one submission).

Conditions:
Hyperornithinemia-hyperammonemia-homocitrullinuria syndrome (HHHS). Also called: Ornithine translocase deficiency; HHH SYNDROME. Identifiers: Orphanet 415, MedGen C0268540, MONDO:0009393, OMIM 238970.

gnomAD v4.1: 15 of 1,613,262 alleles (0.00093%); highest among the groups gnomAD compares: Non-Finnish European, 0.0013%; no homozygotes.

Submission:

Labcorp Genetics (formerly Invitae), Labcorp
Classification: Uncertain significance for Hyperornithinemia-hyperammonemia-homocitrullinuria syndrome. Last evaluated: 2025-09-01. Review status: criteria provided, single submitter. Criteria: Invitae Variant Classification Sherloc (09022015). Collection method: clinical testing. Allele origin: germline.
Comment: This sequence change replaces serine, which is neutral and polar, with arginine, which is basic and polar, at codon 215 of the SLC25A15 protein (p.Ser215Arg). This variant is not present in population databases (gnomAD no frequency). This variant has not been reported in the literature in individuals affected with SLC25A15-related conditions. Invitae Evidence Modeling of protein sequence and biophysical properties (such as structural, functional, and spatial information, amino acid conservation, physicochemical variation, residue mobility, and thermodynamic stability) indicates that this missense variant is expected to disrupt SLC25A15 protein function with a positive predictive value of 95%. Algorithms developed to predict the effect of sequence changes on RNA splicing suggest that this variant may disrupt the consensus splice site. In summary, the available evidence is currently insufficient to determine the role of this variant in disease. Therefore, it has been classified as a Variant of Uncertain Significance.

NM_014252.4(SLC25A15):c.645T>G (p.Ser215Arg)

Gene: SLC25A15 (solute carrier family 25 member 15; plus strand). Cytogenetic location: 13q14.11.
Variant type: single nucleotide variant.
Coding change: c.645T>G on transcript NM_014252.4 (MANE Select); coding-DNA position 645, T replaced by G.
Protein change: p.Ser215Arg; replaces serine 215 with arginine.
Molecular consequence: missense variant.
Genome position (GRCh38, 1-based): chr13:40,808,460, T>G. VCF-style: chr13-40808460-T-G. GRCh37 (hg19) VCF-style: chr13-41382596-T-G.
Other names: short protein forms S215R.
Identifiers: ClinVar variation 4755065 (VCV004755065.1).
Genomic context (GRCh38, chr13:40,808,460, plus strand): 5'-TGAGACAAAATACCATTTGCTATTTTTTTTTTCTCTAGGCCCTGTACCTTTGATGTTAAG[T>G]GGTGGAGTTGGTGGGATTTGCCTCTGGCTTGCGGTATACCCAGTGGATTGTATCAAATCC-3'
Protein context (NP_055067.1, residues 205-225): DELGPVPLML[Ser215Arg]GGVGGICLWL